The following is an entry in ClinVar:

NM_005633.4(SOS1):c.1658T>C (p.Met553Thr)

Gene: SOS1 (SOS Ras/Rac guanine nucleotide exchange factor 1; minus strand). Cytogenetic location: 2p22.1.
Variant type: single nucleotide variant.
Coding change: c.1658T>C on transcript NM_005633.4 (MANE Select); coding-DNA position 1658, T replaced by C.
Protein change: p.Met553Thr; replaces methionine 553 with threonine.
Molecular consequence: missense variant.
Genome position (GRCh38, 1-based): chr2:39,022,770, A>G on the plus strand (T>C on the coding strand, the complement: SOS1 is on the minus strand). VCF-style: chr2-39022770-A-G. GRCh37 (hg19) VCF-style: chr2-39249911-A-G.
Other names: c.1637T>C, p.Met546Thr (NM_001382394.1); c.1658T>C, p.Met553Thr (NM_001382395.1); short protein forms M546T, M553T.
Identifiers: ClinVar variation 1719607 (VCV001719607.5), dbSNP rs1558474300, ClinGen allele CA346365678.
Genomic context (GRCh38, chr2:39,022,770, plus strand): 5'-TCAGCACTAGGCAGCCTCATCTGCTCCTCTTTCTCTTCCTGTAGCATTGTTACATCAAGC[A>G]TCCTTTCCAGTGTACTCCGGTACTGTAAAGATATCAATGCTGCCATCCAATTGTTTTTCT-3'
Protein context (NP_005624.2, residues 543-563): SLQYRSTLER[Met553Thr]LDVTMLQEEK

ClinVar aggregate classification (germline): Uncertain significance (1 of 4 stars; one submission).

Conditions:
RASopathy. Also called: rasopathies; Noonan spectrum disorder. Identifiers: Orphanet 536391, MedGen C5555857, MONDO:0021060.

Allele frequency attached by ClinVar (database versions not stated): gnomAD exomes below 0.00001.
gnomAD v4.1: 2 of 1,613,744 alleles (0.00012%); highest among the groups gnomAD compares: Non-Finnish European, 0.00017%; no homozygotes.

Submission:

Labcorp Genetics (formerly Invitae), Labcorp
Classification: Uncertain significance for RASopathy. Last evaluated: 2022-09-16. Review status: criteria provided, single submitter. Criteria: Invitae Variant Classification Sherloc (09022015). Collection method: clinical testing. Allele origin: germline.
Comment: In summary, the available evidence is currently insufficient to determine the role of this variant in disease. Therefore, it has been classified as a Variant of Uncertain Significance. Algorithms developed to predict the effect of missense changes on protein structure and function (SIFT, PolyPhen-2, Align-GVGD) all suggest that this variant is likely to be tolerated. This variant has not been reported in the literature in individuals affected with SOS1-related conditions. This variant is not present in population databases (gnomAD no frequency). This sequence change replaces methionine, which is neutral and non-polar, with threonine, which is neutral and polar, at codon 553 of the SOS1 protein (p.Met553Thr).